The following is an entry in ClinVar:

ClinVar aggregate classification (germline): Conflicting classifications of pathogenicity. Review status: criteria provided, conflicting classifications (1 of 4 stars). 2 submissions from 2 submitters: Uncertain significance (1); Likely benign (1). Last evaluated 2024-12-30.

Allele frequency attached by ClinVar (database versions not stated): ExAC 0.00001; gnomAD 0.00001; TOPMed 0.00001.
gnomAD v4.1: 4 of 1,612,190 alleles (0.00025%); highest among the groups gnomAD compares: African/African-American, 0.004%; no homozygotes.

Submissions (2):

GeneDx
Classification: Uncertain significance. Last evaluated: 2024-12-30. Review status: criteria provided, single submitter. Criteria: GeneDx Variant Classification Process June 2021. Collection method: clinical testing. Allele origin: germline. Affected: yes.
Comment: Not observed at significant frequency in large population cohorts (gnomAD); In silico analysis supports that this missense variant has a deleterious effect on protein structure/function; Has not been previously published as pathogenic or benign to our knowledge

Labcorp Genetics (formerly Invitae), Labcorp
Classification: Likely benign. Last evaluated: 2023-06-06. Review status: criteria provided, single submitter. Criteria: Invitae Variant Classification Sherloc (09022015). Collection method: clinical testing. Allele origin: germline.

NM_080680.3(COL11A2):c.3524C>T (p.Pro1175Leu)

Gene: COL11A2 (collagen type XI alpha 2 chain; minus strand). Cytogenetic location: 6p21.32.
Variant type: single nucleotide variant.
Coding change: c.3524C>T on transcript NM_080680.3 (MANE Select); coding-DNA position 3524, C replaced by T.
Protein change: p.Pro1175Leu; replaces proline 1175 with leucine.
Molecular consequence: missense variant.
Genome position (GRCh38, 1-based): chr6:33,170,561, G>A on the plus strand (C>T on the coding strand, the complement: COL11A2 is on the minus strand). VCF-style: chr6-33170561-G-A. GRCh37 (hg19) VCF-style: chr6-33138338-G-A.
Other names: c.3524C>T (NM_080680.2); c.3344C>T, p.Pro1115Leu (NM_001424108.1); c.2678C>T, p.Pro893Leu (NM_001424109.1); c.2498C>T, p.Pro833Leu (NM_001424110.1, NM_001424111.1); c.1478C>T, p.Pro493Leu (NM_001424112.1); c.3203C>T, p.Pro1068Leu (NM_080679.3); c.3266C>T, p.Pro1089Leu (NM_080681.3); short protein forms P1068L, P493L, P893L, P1175L, P833L, P1089L, P1115L.
Identifiers: ClinVar variation 2814720 (VCV002814720.4), dbSNP rs775793988, ClinGen allele CA3750484.